The following is an entry in ClinVar:

NM_000528.4(MAN2B1):c.1015G>A (p.Val339Ile)

Gene: MAN2B1 (mannosidase alpha class 2B member 1; minus strand). Cytogenetic location: 19p13.13.
Variant type: single nucleotide variant.
Coding change: c.1015G>A on transcript NM_000528.4 (MANE Select); coding-DNA position 1015, G replaced by A.
Protein change: p.Val339Ile; replaces valine 339 with isoleucine.
Molecular consequence: missense variant.
Genome position (GRCh38, 1-based): chr19:12,661,271, C>T on the plus strand (G>A on the coding strand, the complement: MAN2B1 is on the minus strand). VCF-style: chr19-12661271-C-T. GRCh37 (hg19) VCF-style: chr19-12772085-C-T.
Other names: c.1015G>A, p.Val339Ile (NM_001173498.2); short protein forms V339I.
Identifiers: ClinVar variation 2089643 (VCV002089643.4), dbSNP rs968321992, ClinGen allele CA305473667.

ClinVar aggregate classification (germline): Uncertain significance (1 of 4 stars; one submission).

Conditions:
Deficiency of alpha-mannosidase (MANSA). Also called: Mannosidosis, alpha-, types I and II; Alpha-Mannosidosis; LYSOSOMAL ALPHA-D-MANNOSIDASE DEFICIENCY. Identifiers: Orphanet 61, MedGen C0024748, MONDO:0009561, OMIM 248500.

Submission:

Labcorp Genetics (formerly Invitae), Labcorp
Classification: Uncertain significance for Deficiency of alpha-mannosidase. Last evaluated: 2024-10-24. Review status: criteria provided, single submitter. Criteria: Invitae Variant Classification Sherloc (09022015). Collection method: clinical testing. Allele origin: germline.
Comment: This sequence change replaces valine, which is neutral and non-polar, with isoleucine, which is neutral and non-polar, at codon 339 of the MAN2B1 protein (p.Val339Ile). This variant is not present in population databases (gnomAD no frequency). This variant has not been reported in the literature in individuals affected with MAN2B1-related conditions. ClinVar contains an entry for this variant (Variation ID: 2089643). Invitae Evidence Modeling of protein sequence and biophysical properties (such as structural, functional, and spatial information, amino acid conservation, physicochemical variation, residue mobility, and thermodynamic stability) indicates that this missense variant is not expected to disrupt MAN2B1 protein function with a negative predictive value of 95%. In summary, the available evidence is currently insufficient to determine the role of this variant in disease. Therefore, it has been classified as a Variant of Uncertain Significance.